The following is an entry in ClinVar:

NM_004409.5(DMPK):c.*224CTG[352]

Genes: DM1-AS (DM1 locus antisense RNA; plus strand), DMPK (DM1 protein kinase; minus strand), LOC107075317 (origin of replication in DMPK trinucleotide repeat region; plus strand), LOC109461477 (dystrophia myotonica protein kinase repeat instability region; plus strand). Cytogenetic location: 19q13.32.
Variant type: Microsatellite.
Coding change: c.*224CTG[352] on transcript NM_004409.5 (MANE Select); 352 copies in a row of the 3-base unit CTG starting at c.*224.
Molecular consequence: 3 prime UTR variant.
Genome position: GRCh38, VCF-style position (the base before the change): chr19:45,770,204. GRCh37 (hg19), VCF-style position (the base before the change): chr19:46,273,462.
Other names: DM1 CTG repeat expansion; c.*217CTG[352] (NM_001424162.1, NM_001424163.1, NM_001424166.1 and 2 more transcripts); c.*369CTG[352] (NM_001424164.1, NM_001424168.1, NM_001288766.2); c.*224CTG[352] (NM_001424165.1, NM_001424169.1, NM_001288764.2 and 1 more transcripts); c.*222_*224TGC[352] (NM_001081563.3).
Identifiers: ClinVar variation 187964 (VCV000187964.2), ClinGen allele CA915951772.

ClinVar aggregate classification (germline): Pathogenic (0 of 4 stars; one submission).

Conditions:
Steinert myotonic dystrophy syndrome (DM1). Also called: STEINERT DISEASE; Myotonic dystrophy type 1; Dystrophia myotonica type 1; Steinert myotonic dystrophy; Steinert's disease. Identifiers: Orphanet 273, MedGen C3250443, MONDO:0008056, OMIM 160900.

Submission:

Institute of Molecular, Cell and Systems Biology, University of Glasgow
Classification: Pathogenic for Steinert myotonic dystrophy syndrome. Review status: no assertion criteria provided. Criteria: research. Collection method: research. Allele origin: germline. Inheritance: Autosomal dominant inheritance. Affected: yes. Observed: 2 heterozygotes.
Comment: DMPK CTG repeat expansions greater than approximately 45-50 repeats are assumed to be pathogenic

This record is based on data published in PubMed 25052313, which reports only ClinVar accessions SCV000120188 and SCV000120189. The complete data set includes SCV000207445 - SCV000207579.

Literature cited by the submitters: PubMed 1346923; PubMed 1546326; PubMed 25052313.